The following is an entry in ClinVar:

NM_022041.4(GAN):c.288G>A (p.Arg96=)

Gene: GAN (gigaxonin; plus strand). Cytogenetic location: 16q23.2.
Variant type: single nucleotide variant.
Coding change: c.288G>A on transcript NM_022041.4 (MANE Select); coding-DNA position 288, G replaced by A.
Protein change: p.Arg96=; no amino-acid change (arginine 96 retained).
Molecular consequence: synonymous variant. On other transcripts: 5 prime UTR variant (1).
Genome position (GRCh38, 1-based): chr16:81,354,410, G>A. VCF-style: chr16-81354410-G-A. GRCh37 (hg19) VCF-style: chr16-81388015-G-A.
Other names: c.-352G>A (NM_001377486.1).
Identifiers: ClinVar variation 1963818 (VCV001963818.9), dbSNP rs781296328, ClinGen allele CA8191339.

ClinVar aggregate classification (germline): Likely benign. Review status: criteria provided, multiple submitters, no conflicts (2 of 4 stars). 2 submissions from 2 submitters: Likely benign (2). Last evaluated 2025-12-01.

Conditions:
Giant axonal neuropathy 1 (GAN1). Also called: GIANT AXONAL NEUROPATHY 1, AUTOSOMAL RECESSIVE; GAN-Related Neurodegeneration. Identifiers: Orphanet 643, MedGen C1850386, MONDO:0009749, OMIM 256850.

Allele frequency attached by ClinVar (database versions not stated): gnomAD 0.00001; TOPMed 0.00001; ExAC 0.00004.

Submissions (2):

CeGaT Center for Human Genetics Tuebingen
Classification: Likely benign. Last evaluated: 2025-12-01. Review status: criteria provided, single submitter. Criteria: CeGaT Center For Human Genetics Tuebingen Variant Classification Criteria Version 2. Collection method: clinical testing. Allele origin: germline. Affected: yes. Observed: 1 variant allele.
Comment: GAN: BP4, BP7

Labcorp Genetics (formerly Invitae), Labcorp
Classification: Likely benign for Giant axonal neuropathy 1. Last evaluated: 2025-01-27. Review status: criteria provided, single submitter. Criteria: Invitae Variant Classification Sherloc (09022015). Collection method: clinical testing. Allele origin: germline.